The following is an entry in ClinVar:

NM_000419.5(ITGA2B):c.799G>A (p.Gly267Arg)

Gene: ITGA2B (integrin subunit alpha 2b; minus strand). Cytogenetic location: 17q21.31.
Variant type: single nucleotide variant.
Coding change: c.799G>A on transcript NM_000419.5 (MANE Select); coding-DNA position 799, G replaced by A.
Protein change: p.Gly267Arg; replaces glycine 267 with arginine.
Molecular consequence: missense variant.
Genome position (GRCh38, 1-based): chr17:44,384,948, C>T on the plus strand (G>A on the coding strand, the complement: ITGA2B is on the minus strand). VCF-style: chr17-44384948-C-T. GRCh37 (hg19) VCF-style: chr17-42462316-C-T.
Other names: short protein forms G267R.
Identifiers: ClinVar variation 4810623 (VCV004810623.1).

ClinVar aggregate classification (germline): Uncertain significance (1 of 4 stars; one submission).

Conditions:
Glanzmann thrombasthenia. Also called: BLEEDING DISORDER, PLATELET-TYPE, 2; THROMBASTHENIA OF GLANZMANN AND NAEGELI; PLATELET GLYCOPROTEIN IIb-IIIa DEFICIENCY; Thrombasthenia; Glanzmann's thrombasthenia. Identifiers: Orphanet 849, MedGen C0040015, MONDO:0100326.

Submission:

Labcorp Genetics (formerly Invitae), Labcorp
Classification: Uncertain significance for Glanzmann thrombasthenia. Last evaluated: 2025-12-03. Review status: criteria provided, single submitter. Criteria: Invitae Variant Classification Sherloc (09022015). Collection method: clinical testing. Allele origin: germline.
Comment: This sequence change replaces glycine, which is neutral and non-polar, with arginine, which is basic and polar, at codon 267 of the ITGA2B protein (p.Gly267Arg). This variant also falls at the last nucleotide of exon 7, which is part of the consensus splice site for this exon. This variant is present in population databases (no rsID available, gnomAD 0.01%). This variant has not been reported in the literature in individuals affected with ITGA2B-related conditions. Invitae Evidence Modeling of protein sequence and biophysical properties (such as structural, functional, and spatial information, amino acid conservation, physicochemical variation, residue mobility, and thermodynamic stability) indicates that this missense variant is expected to disrupt ITGA2B protein function with a positive predictive value of 95%. Variants that disrupt the consensus splice site are a relatively common cause of aberrant splicing (PMID: 17576681, 9536098). Algorithms developed to predict the effect of sequence changes on RNA splicing suggest that this variant may disrupt the consensus splice site. In summary, the available evidence is currently insufficient to determine the role of this variant in disease. Therefore, it has been classified as a Variant of Uncertain Significance.

Literature cited by the submitters: PubMed 17576681; PubMed 9536098.